The following is an entry in ClinVar:

NM_004006.3(DMD):c.4457C>A (p.Pro1486His)

Gene: DMD (dystrophin; minus strand). Cytogenetic location: Xp21.1.
Variant type: single nucleotide variant.
Coding change: c.4457C>A on transcript NM_004006.3 (MANE Select); coding-DNA position 4457, C replaced by A.
Protein change: p.Pro1486His; replaces proline 1486 with histidine.
Molecular consequence: missense variant.
Genome position (GRCh38, 1-based): chrX:32,389,562, G>T on the plus strand (C>A on the coding strand, the complement: DMD is on the minus strand). VCF-style: chrX-32389562-G-T. GRCh37 (hg19) VCF-style: chrX-32407679-G-T.
Other names: c.4433C>A, p.Pro1478His (NM_000109.4); c.4445C>A, p.Pro1482His (NM_004009.3); c.4088C>A, p.Pro1363His (NM_004010.3); c.434C>A, p.Pro145His (NM_004011.4); c.425C>A, p.Pro142His (NM_004012.4); short protein forms P1363H, P142H, P145H, P1478H, P1482H, P1486H.
Identifiers: ClinVar variation 1718787 (VCV001718787.6), dbSNP rs1222163883, ClinGen allele CA412663144.
Genomic context (GRCh38, chrX:32,389,562, plus strand): 5'-ACACAATGATTTAGCTGTGACTGTACTACTTCCTGTTCCACACTCTTTGTTTCCAATGCA[G>T]GCAAGTGCATCTTCACTTCATCTAAAATCATCTTACTTTCTTGTAGACGCTGCTCAAAAT-3'
Protein context (NP_003997.2, residues 1476-1496): MILDEVKMHL[Pro1486His]ALETKSVEQE

ClinVar aggregate classification (germline): Uncertain significance (1 of 4 stars; one submission).

Conditions:
Duchenne muscular dystrophy (DMD). Also called: MUSCULAR DYSTROPHY, PSEUDOHYPERTROPHIC PROGRESSIVE, DUCHENNE TYPE; Duchenne Muscular Dystrophy (DMD). Identifiers: Orphanet 98896, MedGen C0013264, MONDO:0010679, OMIM 310200.

Allele frequency attached by ClinVar (database versions not stated): TOPMed 0.00001; gnomAD 0.00002.
gnomAD v4.1: 2 of 1,208,782 alleles (0.00017%); highest among the groups gnomAD compares: African/African-American, 0.0035%; no homozygotes.

Submission:

Labcorp Genetics (formerly Invitae), Labcorp
Classification: Uncertain significance for Duchenne muscular dystrophy. Last evaluated: 2025-02-27. Review status: criteria provided, single submitter. Criteria: Invitae Variant Classification Sherloc (09022015). Collection method: clinical testing. Allele origin: germline.
Comment: This sequence change replaces proline, which is neutral and non-polar, with histidine, which is basic and polar, at codon 1486 of the DMD protein (p.Pro1486His). This variant is not present in population databases (gnomAD no frequency). This variant has not been reported in the literature in individuals affected with DMD-related conditions. ClinVar contains an entry for this variant (Variation ID: 1718787). Invitae Evidence Modeling of protein sequence and biophysical properties (such as structural, functional, and spatial information, amino acid conservation, physicochemical variation, residue mobility, and thermodynamic stability) indicates that this missense variant is not expected to disrupt DMD protein function with a negative predictive value of 95%. In summary, the available evidence is currently insufficient to determine the role of this variant in disease. Therefore, it has been classified as a Variant of Uncertain Significance.